The following is an entry in ClinVar:

ClinVar aggregate classification (germline): Likely benign. Review status: criteria provided, single submitter (1 of 4 stars). 2 submissions from 2 submitters: Likely benign (1). 1 of the submissions does not count toward it. Last evaluated 2025-07-14.

Conditions:
EDAR-related disorder. Also called: EDAR-related condition.
Ectodermal dysplasia 10A, hypohidrotic/hair/nail type, autosomal dominant (ECTD10A). Also called: Ectodermal Dysplasia 3, Anhidrotic. Identifiers: Orphanet 1810, Orphanet 238468, MedGen C3888065, MONDO:0007509, OMIM 129490.
Autosomal recessive hypohidrotic ectodermal dysplasia syndrome. Also called: Autosomal recessive hypohidrotic ectodermal dysplasia. Identifiers: Orphanet 248, MedGen C0406702, MONDO:0016619.

Submissions (2):

Labcorp Genetics (formerly Invitae), Labcorp
Classification: Likely benign for Ectodermal dysplasia 10A, hypohidrotic/hair/nail type, autosomal dominant; Autosomal recessive hypohidrotic ectodermal dysplasia syndrome. Last evaluated: 2025-07-14. Review status: criteria provided, single submitter. Criteria: Invitae Variant Classification Sherloc (09022015). Collection method: clinical testing. Allele origin: germline.

PreventionGenetics, part of Exact Sciences
Classification: Uncertain significance for EDAR-related condition. Last evaluated: 2024-09-11. Review status: no assertion criteria provided. Collection method: clinical testing. Allele origin: germline. Not counted in ClinVar's aggregate classification.
Comment: The EDAR c.964-7_964-6delTT variant is predicted to result in an intronic deletion. To our knowledge, this variant has not been reported in the literature. This variant is reported in 0.088% of alleles in individuals of African descent in gnomAD. At this time, the clinical significance of this variant is uncertain due to the absence of conclusive functional and genetic evidence.

NM_022336.4(EDAR):c.964-7_964-6del

Genes: EDAR (ectodysplasin A receptor; minus strand), RANBP2 (RAN binding protein 2; plus strand). Cytogenetic location: 2q13.
Variant type: Deletion.
Coding change: c.964-7_964-6del on transcript NM_022336.4 (MANE Select); 7 bases into the intron before coding-DNA position 964 through 6 bases into the intron before coding-DNA position 964, 2 bases deleted (TT; older notation c.964-7_964-6delTT).
Molecular consequence: intron variant.
Genome position (GRCh38, 1-based): chr2:108,906,374-108,906,375, AA deleted on the plus strand (TT on the coding strand, the reverse complement: EDAR is on the minus strand); deleting any 2 consecutive bases within chr2:108,906,374-108,906,378 gives the same sequence; the c. name uses the placement nearest the transcript's 3' end. VCF-style (leftmost placement, unchanged base first): chr2-108906373-GAA-G. GRCh37 (hg19) VCF-style: chr2-109522829-GAA-G.
Identifiers: ClinVar variation 3350308 (VCV003350308.2).